The following is an entry in ClinVar:

NM_005655.4(KLF10):c.973G>A (p.Val325Ile)

Gene: KLF10 (KLF transcription factor 10; minus strand). Cytogenetic location: 8q22.3.
Variant type: single nucleotide variant.
Coding change: c.973G>A on transcript NM_005655.4 (MANE Select); coding-DNA position 973, G replaced by A.
Protein change: p.Val325Ile; replaces valine 325 with isoleucine.
Molecular consequence: missense variant.
Genome position (GRCh38, 1-based): chr8:102,651,359, C>T on the plus strand (G>A on the coding strand, the complement: KLF10 is on the minus strand). VCF-style: chr8-102651359-C-T. GRCh37 (hg19) VCF-style: chr8-103663587-C-T.
Other names: c.940G>A, p.Val314Ile (NM_001032282.4); short protein forms V314I, V325I.
Identifiers: ClinVar variation 3619283 (VCV003619283.2).
Genomic context (GRCh38, chr8:102,651,359, plus strand): 5'-CAATGGGAGAGAGTCTGGTGCCATTCGGGCTCACCACCGGAGGCTTTGAACTCTGCACAA[C>T]GGGCTGGGGTACCACAAACATGACAGCGCCTTTGGGGACTTGTGTGCCCATGAACACAAC-3'
Protein context (NP_005646.1, residues 315-335): GAVMFVVPQP[Val325Ile]VQSSKPPVVS

ClinVar aggregate classification (germline): Uncertain significance (1 of 4 stars; one submission).

Submission:

Labcorp Genetics (formerly Invitae), Labcorp
Classification: Uncertain significance. Last evaluated: 2025-06-27. Review status: criteria provided, single submitter. Criteria: Invitae Variant Classification Sherloc (09022015). Collection method: clinical testing. Allele origin: germline.
Comment: This sequence change replaces valine, which is neutral and non-polar, with isoleucine, which is neutral and non-polar, at codon 325 of the KLF10 protein (p.Val325Ile). This variant is present in population databases (rs760040811, gnomAD 0.01%). This missense change has been observed in individual(s) with hypertrophic cardiomyopathy (PMID: 33297573). ClinVar contains an entry for this variant (Variation ID: 3619283). An algorithm developed to predict the effect of missense changes on protein structure and function (PolyPhen-2) suggests that this variant is likely to be tolerated. In summary, the available evidence is currently insufficient to determine the role of this variant in disease. Therefore, it has been classified as a Variant of Uncertain Significance.

Literature cited by the submitters: PubMed 33297573.